The following is an entry in ClinVar:

ClinVar aggregate classification (germline): Uncertain significance (1 of 4 stars; one submission).

Allele frequency attached by ClinVar (database versions not stated): gnomAD exomes below 0.00001.
gnomAD v4.1: 1 of 1,614,144 alleles (0.000062%); highest among the groups gnomAD compares: Non-Finnish European, 0.000085%; no homozygotes.

Submission:

Labcorp Genetics (formerly Invitae), Labcorp
Classification: Uncertain significance. Last evaluated: 2023-08-16. Review status: criteria provided, single submitter. Criteria: Invitae Variant Classification Sherloc (09022015). Collection method: clinical testing. Allele origin: germline.
Comment: This sequence change replaces arginine, which is basic and polar, with glutamine, which is neutral and polar, at codon 387 of the REST protein (p.Arg387Gln). This variant is not present in population databases (gnomAD no frequency). In summary, the available evidence is currently insufficient to determine the role of this variant in disease. Therefore, it has been classified as a Variant of Uncertain Significance. An algorithm developed to predict the effect of missense changes on protein structure and function (PolyPhen-2) suggests that this variant is likely to be disruptive. This variant has not been reported in the literature in individuals affected with REST-related conditions.

NM_005612.5(REST):c.1160G>A (p.Arg387Gln)

Gene: REST (RE1 silencing transcription factor; plus strand). Cytogenetic location: 4q12.
Variant type: single nucleotide variant.
Coding change: c.1160G>A on transcript NM_005612.5 (MANE Select); coding-DNA position 1160, G replaced by A.
Protein change: p.Arg387Gln; replaces arginine 387 with glutamine.
Molecular consequence: missense variant.
Genome position (GRCh38, 1-based): chr4:56,930,018, G>A. VCF-style: chr4-56930018-G-A. GRCh37 (hg19) VCF-style: chr4-57796184-G-A.
Other names: c.1160G>A, p.Arg387Gln (NM_001193508.2, NM_001363453.3); short protein forms R387Q.
Identifiers: ClinVar variation 2787527 (VCV002787527.3), dbSNP rs2475848580, ClinGen allele CA357005992.